The following is an entry in ClinVar:

NM_018062.4(FANCL):c.677G>A (p.Arg226His)

Gene: FANCL (FA complementation group L; minus strand). Cytogenetic location: 2p16.1.
Variant type: single nucleotide variant.
Coding change: c.677G>A on transcript NM_018062.4 (MANE Select); coding-DNA position 677, G replaced by A.
Protein change: p.Arg226His; replaces arginine 226 with histidine.
Molecular consequence: missense variant.
Genome position (GRCh38, 1-based): chr2:58,165,738, C>T on the plus strand (G>A on the coding strand, the complement: FANCL is on the minus strand). VCF-style: chr2-58165738-C-T. GRCh37 (hg19) VCF-style: chr2-58392873-C-T.
Other names: c.692G>A, p.Arg231His (NM_001114636.2); c.722G>A, p.Arg241His (NM_001374615.1); c.737G>A, p.Arg246His (NM_001410792.1); short protein forms R241H, R231H, R226H, R246H.
Identifiers: ClinVar variation 897200 (VCV000897200.9), dbSNP rs745526326, ClinGen allele CA1670524.

ClinVar aggregate classification (germline): Uncertain significance. Review status: criteria provided, multiple submitters, no conflicts (2 of 4 stars). 3 submissions from 3 submitters: Uncertain significance (3). Last evaluated 2022-09-06.

Conditions:
Fanconi anemia (FA). Also called: Fanconi's anemia. Identifiers: Orphanet 84, MedGen C0015625, MeSH D005199, MONDO:0019391.
Fanconi anemia complementation group L (FANCL). Also called: FANCL-Related Fanconi Anemia. Identifiers: Orphanet 84, MedGen C3469528, MONDO:0013566, OMIM 614083.

Allele frequency attached by ClinVar (database versions not stated): gnomAD exomes 0.00002; ExAC 0.00004.
gnomAD v4.1: 20 of 1,614,078 alleles (0.0012%); highest among the groups gnomAD compares: East Asian, 0.0022%; no homozygotes.

Submissions (3):

Labcorp Genetics (formerly Invitae), Labcorp
Classification: Uncertain significance for Fanconi anemia. Last evaluated: 2022-09-06. Review status: criteria provided, single submitter. Criteria: Invitae Variant Classification Sherloc (09022015). Collection method: clinical testing. Allele origin: germline.
Comment: This sequence change replaces arginine, which is basic and polar, with histidine, which is basic and polar, at codon 226 of the FANCL protein (p.Arg226His). This variant is present in population databases (rs745526326, gnomAD 0.006%). This missense change has been observed in individual(s) with Fanconi anemia (PMID: 26740942). ClinVar contains an entry for this variant (Variation ID: 897200). Algorithms developed to predict the effect of missense changes on protein structure and function (SIFT, PolyPhen-2, Align-GVGD) all suggest that this variant is likely to be disruptive. In summary, the available evidence is currently insufficient to determine the role of this variant in disease. Therefore, it has been classified as a Variant of Uncertain Significance.

Fulgent Genetics
Classification: Uncertain significance for Fanconi anemia complementation group L. Last evaluated: 2021-12-22. Review status: criteria provided, single submitter. Criteria: ACMG Guidelines, 2015. Collection method: clinical testing. Allele origin: unknown.

Illumina Laboratory Services, Illumina
Classification: Uncertain significance for Fanconi anemia complementation group L. Last evaluated: 2018-01-13. Review status: criteria provided, single submitter. Criteria: ICSL Variant Classification Criteria 13 December 2019. Collection method: clinical testing. Allele origin: germline.

Literature cited by the submitters: PubMed 26740942 (cited by Labcorp Genetics (formerly Invitae), Labcorp).